The following is an entry in ClinVar:

NM_015404.4(WHRN):c.1687G>C (p.Asp563His)

Gene: WHRN (whirlin; minus strand). Cytogenetic location: 9q32.
Variant type: single nucleotide variant.
Coding change: c.1687G>C on transcript NM_015404.4 (MANE Select); coding-DNA position 1687, G replaced by C.
Protein change: p.Asp563His; replaces aspartic acid 563 with histidine.
Molecular consequence: missense variant.
Genome position (GRCh38, 1-based): chr9:114,407,958, C>G on the plus strand (G>C on the coding strand, the complement: WHRN is on the minus strand). VCF-style: chr9-114407958-C-G. GRCh37 (hg19) VCF-style: chr9-117170238-C-G.
Other names: c.538G>C, p.Asp180His (NM_001083885.3); c.1687G>C, p.Asp563His (NM_001173425.2); c.634G>C, p.Asp212His (NM_001346890.1); short protein forms D180H, D212H, D563H.
Identifiers: ClinVar variation 1377180 (VCV001377180.6), dbSNP rs1476809484, ClinGen allele CA374621129.
Genomic context (GRCh38, chr9:114,407,958, plus strand): 5'-CCTGAGCACACCAGGGAGAGCAGAACCAAAGGGCCAGCCAGGGCCTTACCACGGACACAT[C>G]TGGGAGGGCGTTGATATTGCCCTGGACAGCCTCGCCAGTTTCCTCCAGGTCCAGAGTGTT-3'
Protein context (NP_056219.3, residues 553-573): AVQGNINALP[Asp563His]VSVDDVRSTS

ClinVar aggregate classification (germline): Uncertain significance (1 of 4 stars; one submission).

Allele frequency attached by ClinVar (database versions not stated): gnomAD exomes below 0.00001 and 0.00001.
gnomAD v4.1: 3 of 1,602,396 alleles (0.00019%); highest among the groups gnomAD compares: Non-Finnish European, 0.00026%; no homozygotes.

Submission:

Labcorp Genetics (formerly Invitae), Labcorp
Classification: Uncertain significance. Last evaluated: 2021-08-23. Review status: criteria provided, single submitter. Criteria: Invitae Variant Classification Sherloc (09022015). Collection method: clinical testing. Allele origin: germline.
Comment: In summary, the available evidence is currently insufficient to determine the role of this variant in disease. Therefore, it has been classified as a Variant of Uncertain Significance. This variant has not been reported in the literature in individuals affected with WHRN-related conditions. This sequence change replaces aspartic acid with histidine at codon 563 of the WHRN protein (p.Asp563His). The aspartic acid residue is highly conserved and there is a moderate physicochemical difference between aspartic acid and histidine. Algorithms developed to predict the effect of missense changes on protein structure and function are either unavailable or do not agree on the potential impact of this missense change (SIFT: "Tolerated"; PolyPhen-2: "Probably Damaging"; Align-GVGD: "Class C0"). This variant is not present in population databases (ExAC no frequency).